The following is an entry in ClinVar:

ClinVar aggregate classification (germline): Uncertain significance (1 of 4 stars; one submission).

gnomAD v4.1: 2 of 1,211,524 alleles (0.00017%); highest among the groups gnomAD compares: East Asian, 0.0059%; no homozygotes.

Submission:

Labcorp Genetics (formerly Invitae), Labcorp
Classification: Uncertain significance. Last evaluated: 2024-05-07. Review status: criteria provided, single submitter. Criteria: Invitae Variant Classification Sherloc (09022015). Collection method: clinical testing. Allele origin: germline.
Comment: This sequence change replaces serine, which is neutral and polar, with arginine, which is basic and polar, at codon 95 of the RNF113A protein (p.Ser95Arg). This variant is present in population databases (rs774848716, gnomAD 0.02%). This variant has not been reported in the literature in individuals affected with RNF113A-related conditions. Advanced modeling of protein sequence and biophysical properties (such as structural, functional, and spatial information, amino acid conservation, physicochemical variation, residue mobility, and thermodynamic stability) performed at Invitae indicates that this missense variant is not expected to disrupt RNF113A protein function with a negative predictive value of 80%. In summary, the available evidence is currently insufficient to determine the role of this variant in disease. Therefore, it has been classified as a Variant of Uncertain Significance.

NM_006978.3(RNF113A):c.283A>C (p.Ser95Arg)

Gene: RNF113A (ring finger protein 113A; minus strand). Cytogenetic location: Xq24.
Variant type: single nucleotide variant.
Coding change: c.283A>C on transcript NM_006978.3 (MANE Select); coding-DNA position 283, A replaced by C.
Protein change: p.Ser95Arg; replaces serine 95 with arginine.
Molecular consequence: missense variant.
Genome position (GRCh38, 1-based): chrX:119,871,331, T>G on the plus strand (A>C on the coding strand, the complement: RNF113A is on the minus strand). VCF-style: chrX-119871331-T-G. GRCh37 (hg19) VCF-style: chrX-119005294-T-G.
Other names: short protein forms S95R.
Identifiers: ClinVar variation 3691639 (VCV003691639.2).
Genomic context (GRCh38, chrX:119,871,331, plus strand): 5'-CCATATCCTCTGGTCCCACGGGTTTCGCCGAACGGGTGGATTTATAAACCACGCCGAGAC[T>G]CTCGGGCTCATTTTCCTCTTCCTCTTCGCTGCTCAAGTCGCCGTAAGCCGCCTTCTGTTT-3'
Protein context (NP_008909.1, residues 85-105): SEEEEENEPE[Ser95Arg]LGVVYKSTRS